The following is an entry in ClinVar:

NM_138409.4(MRAP2):c.228-1845C>T

Gene: MRAP2 (melanocortin 2 receptor accessory protein 2; plus strand). Cytogenetic location: 6q14.2.
Variant type: single nucleotide variant.
Coding change: c.228-1845C>T on transcript NM_138409.4 (MANE Select); 1845 bases into the intron before coding-DNA position 228, C replaced by T.
Molecular consequence: intron variant. On other transcripts: synonymous variant (1).
Genome position (GRCh38, 1-based): chr6:84,087,246, C>T. VCF-style: chr6-84087246-C-T. GRCh37 (hg19) VCF-style: chr6-84796965-C-T.
Other names: c.228-1845C>T (NM_001346542.2, NM_001346544.2); c.-31-1845C>T (NM_001346541.2); c.27C>T, p.Gly9= (NM_001346543.2).
Identifiers: ClinVar variation 3347778 (VCV003347778.2).

ClinVar aggregate classification (germline): Uncertain significance (1 of 4 stars; one submission).

Conditions:
MRAP2-related disorder. Also called: MRAP2-related condition.

gnomAD v4.1: 28 of 152,204 alleles (0.018%); highest among the groups gnomAD compares: Non-Finnish European, 0.025%; no homozygotes.

Submission:

PreventionGenetics, part of Exact Sciences
Classification: Uncertain significance for MRAP2-related condition. Last evaluated: 2026-03-10. Review status: criteria provided, single submitter. Criteria: ACMG Guidelines, 2015. Collection method: clinical testing. Allele origin: germline.
Comment: The MRAP2 c.27C>T variant is not predicted to result in an amino acid change (p.=). In an alternate transcript (NM_138409.3), this variant is found within an intronic region (c.228-1845C>T). Splicing prediction programs suggest that this variant may interfere with splicing in the NM_001346543.1 transcript (SpliceAI, Jaganathan et al. 2019. PubMed ID: 30661751). To our knowledge, this variant has not been reported in the literature. This variant is reported in 0.023% of alleles in individuals of African descent in gnomAD, which may be too common for an unreported cause of disease. Although we suspect that this variant may be benign, at this time, the clinical significance is uncertain due to the absence of conclusive functional and genetic evidence.